The following is an entry in ClinVar:

NM_001350451.2(RBFOX3):c.10C>A (p.Pro4Thr)

Gene: RBFOX3 (RNA binding fox-1 homolog 3; minus strand). Cytogenetic location: 17q25.3.
Variant type: single nucleotide variant.
Coding change: c.10C>A on transcript NM_001350451.2 (MANE Select); coding-DNA position 10, C replaced by A.
Protein change: p.Pro4Thr; replaces proline 4 with threonine.
Molecular consequence: missense variant.
Genome position (GRCh38, 1-based): chr17:79,115,706, G>T on the plus strand (C>A on the coding strand, the complement: RBFOX3 is on the minus strand). VCF-style: chr17-79115706-G-T. GRCh37 (hg19) VCF-style: chr17-77111788-G-T.
Other names: c.10C>A, p.Pro4Thr (NM_001082575.3, NM_001350453.2, NM_001385804.1 and 43 more transcripts); c.10C>A (NM_001082575.2); short protein forms P4T.
Identifiers: ClinVar variation 1169229 (VCV001169229.11), dbSNP rs368372440, ClinGen allele CA8810367.
Genomic context (GRCh38, chr17:79,115,706, plus strand): 5'-GGGCGTACTCGGCAGGGATGCCGTTCTGTGGCGGAGGGGGGTACTGGGCGGGGGGGTAGG[G>T]CTGGGCCATCGCTTCAGGCGGAGCCGTGGCGTCCTGATCGCTCTGTGGAAGGAGAGAGAG-3'
Protein context (NP_001337380.1, residues 1-14): MAQ[Pro4Thr]YPPAQYPPPP

ClinVar aggregate classification (germline): Benign. Review status: criteria provided, single submitter (1 of 4 stars). 2 submissions from 2 submitters: Benign (1). 1 of the submissions does not count toward it. Last evaluated 2025-10-29.

Conditions:
Idiopathic generalized epilepsy. Also called: EIG; Generalised epilepsy. Identifiers: MedGen C0270850, MONDO:0005579, OMIM 600669.
RBFOX3-related disorder. Also called: RBFOX3-related condition.

Allele frequency attached by ClinVar (database versions not stated): gnomAD 0.00002 and 0.00032; TOPMed 0.00006; gnomAD exomes 0.00108; 1000 Genomes Project 30x 0.00156; 1000 Genomes Project 0.00160; ExAC 0.00516.
gnomAD v4.1: 436 of 626,078 alleles (0.07%); highest among the groups gnomAD compares: South Asian, 0.7%; 3 homozygotes.

Submissions (2):

Labcorp Genetics (formerly Invitae), Labcorp
Classification: Benign for Idiopathic generalized epilepsy. Last evaluated: 2025-10-29. Review status: criteria provided, single submitter. Criteria: Invitae Variant Classification Sherloc (09022015). Collection method: clinical testing. Allele origin: germline.

PreventionGenetics, part of Exact Sciences
Classification: Likely benign for RBFOX3-related condition. Last evaluated: 2019-12-03. Review status: no assertion criteria provided. Collection method: clinical testing. Allele origin: germline. Not counted in ClinVar's aggregate classification.
Comment: This variant is classified as likely benign based on ACMG/AMP sequence variant interpretation guidelines (Richards et al. 2015 PMID: 25741868, with internal and published modifications).